The following is an entry in ClinVar:

ClinVar aggregate classification (germline): Benign (0 of 4 stars; one submission).

Submission:

RettBASE
Classification: Benign. Last evaluated: 2014-05-15. Review status: no assertion criteria provided. Collection method: curation. Allele origin: unknown, de novo. Observed: 6 variant alleles.
Comment: Polymorphic [AT] repeats in intron 4

Literature cited by the submitters: PubMed 16015284.

NM_003159.2(CDKL5):c.145+4_145+5AT[13]

Gene: CDKL5 (cyclin dependent kinase like 5; plus strand). Cytogenetic location: Xp22.13.
Variant type: Microsatellite.
Coding change: c.145+4_145+5AT[13] on transcript NM_003159.2.
Other names: c.145+4AT[13] (NM_003159.2).
Identifiers: ClinVar variation 189531 (VCV000189531.2).